The following is an entry in ClinVar:

NM_000348.4(SRD5A2):c.357del (p.Phe118_Cys119insTer)

Gene: SRD5A2 (steroid 5 alpha-reductase 2; minus strand). Cytogenetic location: 2p23.1.
Variant type: Deletion.
Coding change: c.357del on transcript NM_000348.4 (MANE Select); coding-DNA position 357, one base deleted (C; older notation c.357delC).
Protein change: p.Phe118_Cys119insTer.
Molecular consequence: nonsense.
Genome position (GRCh38, 1-based): chr2:31,533,691, G deleted on the plus strand (C on the coding strand, the reverse complement: SRD5A2 is on the minus strand). VCF-style (leftmost placement, unchanged base first): chr2-31533690-TG-T. GRCh37 (hg19) VCF-style: chr2-31758760-TG-T.
Identifiers: ClinVar variation 1410942 (VCV001410942.6), dbSNP rs2148066893, ClinGen allele CA2573134597.

ClinVar aggregate classification (germline): Pathogenic (1 of 4 stars; one submission).

Conditions:
3-Oxo-5 alpha-steroid delta 4-dehydrogenase deficiency (PPSH). Also called: 46,XY disorder of sex development due to 5-alpha-reductase 2 deficiency; PSEUDOVAGINAL PERINEOSCROTAL HYPOSPADIAS; MALE PSEUDOHERMAPHRODITISM DUE TO 5-ALPHA-REDUCTASE DEFICIENCY; FAMILIAL INCOMPLETE MALE PSEUDOHERMAPHRODITISM, TYPE 2. Identifiers: Orphanet 753, MedGen C0268297, MONDO:0009923, OMIM 264600. Disease mechanism: loss of function.

Submission:

Labcorp Genetics (formerly Invitae), Labcorp
Classification: Pathogenic for 3-Oxo-5 alpha-steroid delta 4-dehydrogenase deficiency. Last evaluated: 2021-08-30. Review status: criteria provided, single submitter. Criteria: Invitae Variant Classification Sherloc (09022015). Collection method: clinical testing. Allele origin: germline.
Comment: For these reasons, this variant has been classified as Pathogenic. This variant has not been reported in the literature in individuals affected with SRD5A2-related conditions. This variant is not present in population databases (ExAC no frequency). This sequence change creates a premature translational stop signal (p.Cys119*) in the SRD5A2 gene. It is expected to result in an absent or disrupted protein product. Loss-of-function variants in SRD5A2 are known to be pathogenic (PMID: 1406794, 1944596).

Literature cited by the submitters: PubMed 1406794; PubMed 1944596.